The following is an entry in ClinVar:

NM_175875.5(SIX5):c.71C>T (p.Ala24Val)

Genes: DM1-AS (DM1 locus antisense RNA; plus strand), SIX5 (SIX homeobox 5; minus strand), LOC107075317 (origin of replication in DMPK trinucleotide repeat region; plus strand). Cytogenetic location: 19q13.32.
Variant type: single nucleotide variant.
Coding change: c.71C>T on transcript NM_175875.5 (MANE Select); coding-DNA position 71, C replaced by T.
Protein change: p.Ala24Val; replaces alanine 24 with valine.
Molecular consequence: missense variant.
Genome position (GRCh38, 1-based): chr19:45,768,774, G>A on the plus strand (C>T on the coding strand, the complement: SIX5 is on the minus strand). VCF-style: chr19-45768774-G-A. GRCh37 (hg19) VCF-style: chr19-46272032-G-A.
Other names: short protein forms A24V.
Identifiers: ClinVar variation 5001060 (VCV005001060.1).

ClinVar aggregate classification (germline): Uncertain significance (1 of 4 stars; one submission).

Conditions:
SIX5-related disorder. Also called: SIX5-related condition.

gnomAD v4.1: 6 of 1,517,684 alleles (0.0004%); highest among the groups gnomAD compares: African/African-American, 0.0014%; no homozygotes.

Submission:

PreventionGenetics, part of Exact Sciences
Classification: Uncertain significance for SIX5-related condition. Last evaluated: 2025-08-17. Review status: criteria provided, single submitter. Criteria: ACMG Guidelines, 2015. Collection method: clinical testing. Allele origin: germline.
Comment: The SIX5 c.71C>T variant is predicted to result in the amino acid substitution p.Ala24Val. To our knowledge, this variant has not been reported in the literature or in a large population database (gnomAD), indicating this variant is rare. At this time, the clinical significance of this variant is uncertain due to the absence of conclusive functional and genetic evidence.